The following is an entry in ClinVar:

ClinVar aggregate classification (germline): Pathogenic (1 of 4 stars; one submission).

Conditions:
Lynch syndrome 4 (LYNCH4). Also called: Hereditary non-polyposis colorectal cancer, type 4; Colorectal cancer, hereditary nonpolyposis, type 4. Identifiers: Orphanet 144, MedGen C1838333, MONDO:0013699, OMIM 614337. Disease mechanism: loss of function.

Submission:

Myriad Genetics, Inc.
Classification: Pathogenic for Lynch syndrome 4. Last evaluated: 2023-09-20. Review status: criteria provided, single submitter. Criteria: Myriad Autosomal Dominant, Autosomal Recessive and X-Linked Classification Criteria (2023). Collection method: clinical testing. Allele origin: unknown.
Comment: This variant is considered pathogenic. This variant creates a frameshift predicted to result in premature protein truncation.

NM_000535.7(PMS2):c.1266_1281del (p.Glu422fs)

Gene: PMS2 (PMS1 homolog 2, mismatch repair system component; minus strand). Cytogenetic location: 7p22.1.
Variant type: Deletion.
Coding change: c.1266_1281del on transcript NM_000535.7 (MANE Select); coding-DNA positions 1266 to 1281, 16 bases deleted (GGCCTTTTCTCTTCGT).
Protein change: p.Glu422fs; shifts the reading frame from glutamic acid 422.
Molecular consequence: frameshift variant. On other transcripts: non-coding transcript variant (1), intron variant (1).
Genome position (GRCh38, 1-based): chr7:5,987,484-5,987,499, ACGAAGAGAAAAGGCC deleted on the plus strand (GGCCTTTTCTCTTCGT on the coding strand, the reverse complement: PMS2 is on the minus strand). VCF-style (leftmost placement, unchanged base first): chr7-5987483-GACGAAGAGAAAAGGCC-G. GRCh37 (hg19) VCF-style: chr7-6027114-GACGAAGAGAAAAGGCC-G.
Other names: c.861_876del16, p.Glu287Aspfs (NM_001018040.1); c.861_876del, p.Glu287fs (NM_001322003.2, NM_001322004.2, NM_001322005.2 and 16 more transcripts); c.1110_1125del, p.Glu370fs (NM_001322006.2, NM_001406870.1); c.948_963del, p.Glu316fs (NM_001322007.2, NM_001322008.2, NM_001406876.1 and 2 more transcripts); c.705_720del, p.Glu235fs (NM_001322010.2, NM_001406906.1, NM_001406907.1); c.333_348del, p.Glu111fs (NM_001322011.2, NM_001322012.2); c.693_708del, p.Glu231fs (NM_001322013.2, NM_001406909.1); c.1266_1281del, p.Glu422fs (NM_001322014.2, NM_001406871.1, NM_001406872.1); and 14 more; short protein forms E111fs, E165fs, E231fs, E235fs, E251fs, E264fs, E267fs, E287fs.
Identifiers: ClinVar variation 2674271 (VCV002674271.1), dbSNP rs2535820903, ClinGen allele CA2695198447.